The following is an entry in ClinVar:

ClinVar aggregate classification (germline): Uncertain significance (1 of 4 stars; one submission).

gnomAD v4.1: 2 of 1,614,236 alleles (0.00012%); highest among the groups gnomAD compares: Non-Finnish European, 0.00017%; no homozygotes.

Submission:

Ambry Genetics
Classification: Uncertain significance. Last evaluated: 2026-05-21. Review status: criteria provided, single submitter. Criteria: Ambry Variant Classification Scheme 2023. Collection method: clinical testing. Allele origin: germline.
Comment: The p.N46H variant (also known as c.136A>C), located in coding exon 1 of the MLH3 gene, results from an A to C substitution at nucleotide position 136. The asparagine at codon 46 is replaced by histidine, an amino acid with similar properties. This amino acid position is conserved. In addition, this alteration is predicted to be tolerated by in silico analysis. Based on the available evidence, the clinical significance of this variant remains unclear.

NM_001040108.2(MLH3):c.136A>C (p.Asn46His)

Gene: MLH3 (mutL homolog 3; minus strand). Cytogenetic location: 14q24.3.
Variant type: single nucleotide variant.
Coding change: c.136A>C on transcript NM_001040108.2 (MANE Select); coding-DNA position 136, A replaced by C.
Protein change: p.Asn46His; replaces asparagine 46 with histidine.
Molecular consequence: missense variant.
Genome position (GRCh38, 1-based): chr14:75,049,520, T>G on the plus strand (A>C on the coding strand, the complement: MLH3 is on the minus strand). VCF-style: chr14-75049520-T-G. GRCh37 (hg19) VCF-style: chr14-75516223-T-G.
Other names: c.136A>C, p.Asn46His (NM_014381.3); short protein forms N46H.
Identifiers: ClinVar variation 4860215 (VCV004860215.1).
Genomic context (GRCh38, chr14:75,049,520, plus strand): 5'-CATCATCACTCCCCATCCCAAATCCATTGTCTATCACTTGAACTTGGAAGGTTTCCATAT[T>G]CACCCTGACAGCCACACATTTTGCTTCAGCATCAATACTGTTGAGGGCAAGTTCCTCAAC-3'
Protein context (NP_001035197.1, residues 36-56): AEAKCVAVRV[Asn46His]METFQVQVID